The following is an entry in ClinVar:

ClinVar aggregate classification (germline): Benign/Likely benign. Review status: criteria provided, multiple submitters, no conflicts (2 of 4 stars). 6 submissions from 6 submitters: Benign (3); Likely benign (3). Last evaluated 2026-05-16.

Conditions:
TRPM6-related disorder. Also called: TRPM6-related condition.
Intestinal hypomagnesemia 1. Also called: HYPOMAGNESEMIA, INTESTINAL, WITH SECONDARY HYPOCALCEMIA; HYPOMAGNESEMIC TETANY. Identifiers: Orphanet 30924, MedGen C1865974, MONDO:0011176, OMIM 602014.

Allele frequency attached by ClinVar (database versions not stated): gnomAD exomes 0.00032 and 0.00080; ExAC 0.00096; ESP Exome Variant Server 0.00346; gnomAD 0.00358 and 0.00375; TOPMed 0.00374; 1000 Genomes Project 0.00539; 1000 Genomes Project 30x 0.00578.
gnomAD v4.1: 1,028 of 1,614,022 alleles (0.064%); highest among the groups gnomAD compares: African/African-American, 1.2%; no homozygotes.

Submissions (6):

PreventionGenetics, part of Exact Sciences
Classification: Benign for TRPM6-related condition. Last evaluated: 2026-05-16. Review status: criteria provided, single submitter. Criteria: ACMG Guidelines, 2015. Collection method: clinical testing. Allele origin: germline.
Comment: This variant is classified as benign based on ACMG/AMP sequence variant interpretation guidelines (Richards et al. 2015 PMID: 25741868, with internal and published modifications).

Labcorp Genetics (formerly Invitae), Labcorp
Classification: Benign. Last evaluated: 2026-01-21. Review status: criteria provided, single submitter. Criteria: Invitae Variant Classification Sherloc (09022015). Collection method: clinical testing. Allele origin: germline.

Blueprint Genetics
Classification: Likely benign. Last evaluated: 2024-10-24. Review status: criteria provided, single submitter. Criteria: ACMG Guidelines, 2015. Collection method: clinical testing. Allele origin: germline.

GeneDx
Classification: Likely benign. Last evaluated: 2020-02-03. Review status: criteria provided, single submitter. Criteria: GeneDx Variant Classification Process June 2021. Collection method: clinical testing. Allele origin: germline. Affected: yes.

Illumina Laboratory Services, Illumina
Classification: Benign for Intestinal hypomagnesemia 1. Last evaluated: 2018-01-13. Review status: criteria provided, single submitter. Criteria: ICSL Variant Classification Criteria 13 December 2019. Collection method: clinical testing. Allele origin: germline.
Comment: This variant was observed in the ICSL laboratory as part of a predisposition screen in an ostensibly healthy population. It had not been previously curated by ICSL or reported in the Human Gene Mutation Database (HGMD: prior to June 1st, 2018), and was therefore a candidate for classification through an automated scoring system. Utilizing variant allele frequency, disease prevalence and penetrance estimates, and inheritance mode, an automated score was calculated to assess if this variant is too frequent to cause the disease. Based on the score and internal cut-off values, a variant classified as benign is not then subjected to further curation. The score for this variant resulted in a classification of benign for this disease.

Breakthrough Genomics
Classification: Likely benign. Review status: criteria provided, single submitter. Criteria: ACMG Guidelines, 2015. Collection method: not provided. Allele origin: germline. Inheritance: Autosomal recessive inheritance. Affected: yes.

NM_017662.5(TRPM6):c.4707A>T (p.Ala1569=)

Gene: TRPM6 (transient receptor potential cation channel subfamily M member 6; minus strand). Cytogenetic location: 9q21.13.
Variant type: single nucleotide variant.
Coding change: c.4707A>T on transcript NM_017662.5 (MANE Select); coding-DNA position 4707, A replaced by T.
Protein change: p.Ala1569=; no amino-acid change (alanine 1569 retained).
Molecular consequence: synonymous variant.
Genome position (GRCh38, 1-based): chr9:74,761,774, T>A on the plus strand (A>T on the coding strand, the complement: TRPM6 is on the minus strand). VCF-style: chr9-74761774-T-A. GRCh37 (hg19) VCF-style: chr9-77376690-T-A.
Other names: c.4692A>T, p.Ala1564= (NM_001177310.2, NM_001177311.2).
Identifiers: ClinVar variation 367302 (VCV000367302.19), dbSNP rs34550263, ClinGen allele CA5084044.